The following is an entry in ClinVar:

ClinVar aggregate classification (germline): Pathogenic (1 of 4 stars; one submission).

Conditions:
Charcot-Marie-Tooth disease type 4. Also called: Charcot-Marie-Tooth, Type 4; Charcot-Marie-Tooth disease, type IV. Identifiers: Orphanet 64749, MedGen C4082197, MONDO:0018995.

Allele frequency attached by ClinVar (database versions not stated): gnomAD 0.00001; TOPMed 0.00001; ESP Exome Variant Server 0.00008.
gnomAD v4.1: 1 of 1,614,016 alleles (0.000062%); highest among the groups gnomAD compares: African/African-American, 0.0013%; no homozygotes.

Submission:

Labcorp Genetics (formerly Invitae), Labcorp
Classification: Pathogenic for Charcot-Marie-Tooth disease type 4. Last evaluated: 2022-10-25. Review status: criteria provided, single submitter. Criteria: Invitae Variant Classification Sherloc (09022015). Collection method: clinical testing. Allele origin: germline.
Comment: For these reasons, this variant has been classified as Pathogenic. This variant has not been reported in the literature in individuals affected with SH3TC2-related conditions. This variant is not present in population databases (gnomAD no frequency). This sequence change creates a premature translational stop signal (p.Trp517*) in the SH3TC2 gene. It is expected to result in an absent or disrupted protein product. Loss-of-function variants in SH3TC2 are known to be pathogenic (PMID: 20220177, 27068304).

Literature cited by the submitters: PubMed 20220177; PubMed 27068304.

NM_024577.4(SH3TC2):c.1550G>A (p.Trp517Ter)

Gene: SH3TC2 (SH3 domain and tetratricopeptide repeats 2; minus strand). Cytogenetic location: 5q32.
Variant type: single nucleotide variant.
Coding change: c.1550G>A on transcript NM_024577.4 (MANE Select); coding-DNA position 1550, G replaced by A.
Protein change: p.Trp517Ter; replaces tryptophan 517 with a stop codon.
Molecular consequence: nonsense.
Genome position (GRCh38, 1-based): chr5:149,028,182, C>T on the plus strand (G>A on the coding strand, the complement: SH3TC2 is on the minus strand). VCF-style: chr5-149028182-C-T. GRCh37 (hg19) VCF-style: chr5-148407745-C-T.
Other names: short protein forms W517*.
Identifiers: ClinVar variation 2415078 (VCV002415078.6), dbSNP rs374869128, ClinGen allele CA128985300.